The following is an entry in ClinVar:

NC_000016.10:g.(?_89737551)_(89752223_89758576)del

Genes: FANCA (FA complementation group A; minus strand), ZNF276 (zinc finger protein 276; plus strand). Cytogenetic location: 16q24.3.
Variant type: Deletion.
Identifiers: ClinVar variation 974157 (VCV000974157.1).

ClinVar aggregate classification (germline): Pathogenic (0 of 4 stars; one submission).

Conditions:
Fanconi anemia complementation group A (FANCA). Also called: Fanconi anemia, group A; FANCA-Related Fanconi Anemia. Identifiers: Orphanet 84, MedGen C3469521, MONDO:0009215, OMIM 227650.

Submission:

Leiden Open Variation Database
Classification: Pathogenic for Fanconi anemia complementation group A. Last evaluated: 2020-02-28. Review status: no assertion criteria provided. Collection method: curation. Allele origin: germline. Affected: yes.
Comment: Curator: Arleen D. Auerbach. Submitters to LOVD: Arleen D. Auerbach, Sue Richards.

Literature cited by the submitters: PubMed 10521298.